The following is an entry in ClinVar:

ClinVar aggregate classification (germline): Conflicting classifications of pathogenicity. Review status: criteria provided, conflicting classifications (1 of 4 stars). 3 submissions from 3 submitters: Uncertain significance (2); Benign (1). Last evaluated 2026-06-24.

Conditions:
Inborn genetic diseases. Identifiers: MedGen C0950123, MeSH D030342.

gnomAD v4.1: 7 of 1,547,938 alleles (0.00045%); highest among the groups gnomAD compares: South Asian, 0.0024%; no homozygotes.

Submissions (3):

Ambry Genetics
Classification: Uncertain significance for Inborn genetic diseases. Last evaluated: 2026-06-24. Review status: criteria provided, single submitter. Criteria: Ambry Variant Classification Scheme 2023. Collection method: clinical testing. Allele origin: germline.

GeneDx
Classification: Uncertain significance. Last evaluated: 2024-10-03. Review status: criteria provided, single submitter. Criteria: GeneDx Variant Classification Process June 2021. Collection method: clinical testing. Allele origin: germline. Affected: yes.
Comment: In silico analysis supports that this missense variant does not alter protein structure/function; Has not been previously published as pathogenic or benign to our knowledge; In silico analysis suggests this variant may impact gene splicing. In the absence of RNA/functional studies, the actual effect of this sequence change is unknown.

Labcorp Genetics (formerly Invitae), Labcorp
Classification: Benign. Last evaluated: 2024-09-12. Review status: criteria provided, single submitter. Criteria: Invitae Variant Classification Sherloc (09022015). Collection method: clinical testing. Allele origin: germline.

NM_014727.3(KMT2B):c.6856G>A (p.Gly2286Ser)

Gene: KMT2B (lysine methyltransferase 2B; plus strand). Cytogenetic location: 19q13.12.
Variant type: single nucleotide variant.
Coding change: c.6856G>A on transcript NM_014727.3 (MANE Select); coding-DNA position 6856, G replaced by A.
Protein change: p.Gly2286Ser; replaces glycine 2286 with serine.
Molecular consequence: missense variant.
Genome position (GRCh38, 1-based): chr19:35,733,405, G>A. VCF-style: chr19-35733405-G-A. GRCh37 (hg19) VCF-style: chr19-36224306-G-A.
Other names: c.6856G>A (NM_014727.1, NM_014727.2); short protein forms G2286S.
Identifiers: ClinVar variation 3615570 (VCV003615570.4).